The following is an entry in ClinVar:

ClinVar aggregate classification (germline): Uncertain significance (1 of 4 stars; one submission).

Submission:

Labcorp Genetics (formerly Invitae), Labcorp
Classification: Uncertain significance. Last evaluated: 2022-05-21. Review status: criteria provided, single submitter. Criteria: Invitae Variant Classification Sherloc (09022015). Collection method: clinical testing. Allele origin: germline.
Comment: In summary, the available evidence is currently insufficient to determine the role of this variant in disease. Therefore, it has been classified as a Variant of Uncertain Significance. Algorithms developed to predict the effect of missense changes on protein structure and function are either unavailable or do not agree on the potential impact of this missense change (SIFT: "Deleterious"; PolyPhen-2: "Probably Damaging"; Align-GVGD: "Class C0"). This variant has not been reported in the literature in individuals affected with CLCC1-related conditions. This variant is not present in population databases (gnomAD no frequency). This sequence change replaces serine, which is neutral and polar, with cysteine, which is neutral and slightly polar, at codon 73 of the CLCC1 protein (p.Ser73Cys).

NM_001377458.1(CLCC1):c.218C>G (p.Ser73Cys)

Gene: CLCC1 (chloride channel CLIC like 1; minus strand). Cytogenetic location: 1p13.3.
Variant type: single nucleotide variant.
Coding change: c.218C>G on transcript NM_001377458.1 (MANE Select); coding-DNA position 218, C replaced by G.
Protein change: p.Ser73Cys; replaces serine 73 with cysteine.
Molecular consequence: missense variant. On other transcripts: 5 prime UTR variant (1), non-coding transcript variant (1), intron variant (1).
Genome position (GRCh38, 1-based): chr1:108,949,833, G>C on the plus strand (C>G on the coding strand, the complement: CLCC1 is on the minus strand). VCF-style: chr1-108949833-G-C. GRCh37 (hg19) VCF-style: chr1-109492455-G-C.
Other names: c.218C>G, p.Ser73Cys (NM_001048210.3, NM_001278202.2, NM_001278203.1 and 11 more transcripts); c.-245C>G (NM_001377470.1); c.129+476C>G (NM_001377469.1); short protein forms S73C.
Identifiers: ClinVar variation 1997469 (VCV001997469.4), dbSNP rs2524249638, ClinGen allele CA341466138.